The following is an entry in ClinVar:

NM_002635.4(SLC25A3):c.5_14del (p.Phe2fs)

Gene: SLC25A3 (solute carrier family 25 member 3; plus strand). Cytogenetic location: 12q23.1.
Variant type: Deletion.
Coding change: c.5_14del on transcript NM_002635.4 (MANE Select); coding-DNA positions 5 to 14, 10 bases deleted (TCTCGTCCGT; older notation c.5_14delTCTCGTCCGT).
Protein change: p.Phe2fs; shifts the reading frame from phenylalanine 2.
Molecular consequence: frameshift variant, initiator codon variant.
Genome position (GRCh38, 1-based): chr12:98,593,983-98,593,992, TCTCGTCCGT deleted; deleting any 10 consecutive bases within chr12:98,593,981-98,593,992 gives the same sequence; the c. name uses the placement nearest the transcript's 3' end. VCF-style (leftmost placement, unchanged base first): chr12-98593980-TGTTCTCGTCC-T. GRCh37 (hg19) VCF-style: chr12-98987758-TGTTCTCGTCC-T.
Other names: c.5_14del, p.Phe2fs (NM_005888.4, NM_213611.3); short protein forms F2fs.
Identifiers: ClinVar variation 3661894 (VCV003661894.2).
Genomic context (GRCh38, chr12:98,593,980, plus strand): 5'-GTAACGTTAACCGGCGCCTTGCCTGTCCTCTAACCGTCGCTCCCTCCTCCCCTAGAAAGA[TGTTCTCGTCC>T]GTGGCGCACCTGGCGCGGGCGAACCCCTTCAACACGCCACATCTGCAGCTGGTGCACGAT-3'

ClinVar aggregate classification (germline): Pathogenic (1 of 4 stars; one submission).

Submission:

Labcorp Genetics (formerly Invitae), Labcorp
Classification: Pathogenic. Last evaluated: 2024-08-11. Review status: criteria provided, single submitter. Criteria: Invitae Variant Classification Sherloc (09022015). Collection method: clinical testing. Allele origin: germline.
Comment: This sequence change creates a premature translational stop signal (p.Phe2Trpfs*82) in the SLC25A3 gene. It is expected to result in an absent or disrupted protein product. Loss-of-function variants in SLC25A3 are known to be pathogenic (PMID: 17273968, 21763135). This variant is not present in population databases (gnomAD no frequency). This variant has not been reported in the literature in individuals affected with SLC25A3-related conditions. For these reasons, this variant has been classified as Pathogenic.

Literature cited by the submitters: PubMed 17273968; PubMed 21763135.